The following is an entry in ClinVar:

ClinVar aggregate classification (germline): Uncertain significance (1 of 4 stars; one submission).

Conditions:
Inborn genetic diseases. Identifiers: MedGen C0950123, MeSH D030342.

gnomAD v4.1: 66 of 1,613,126 alleles (0.0041%); highest among the groups gnomAD compares: Non-Finnish European, 0.0053%; no homozygotes.

Submission:

Ambry Genetics
Classification: Uncertain significance for Inborn genetic diseases. Last evaluated: 2026-02-25. Review status: criteria provided, single submitter. Criteria: Ambry Variant Classification Scheme 2023. Collection method: clinical testing. Allele origin: germline.
Comment: The c.883A>G (p.R295G) alteration is located in exon 11 (coding exon 11) of the POLR3B gene. This alteration results from a A to G substitution at nucleotide position 883, causing the arginine (R) at amino acid position 295 to be replaced by a glycine (G). Based on data from gnomAD, the G allele has an overall frequency of 0.001% (3/251202) total alleles studied. The highest observed frequency was 0.003% (3/113606) of European (non-Finnish) alleles. Based on insufficient or conflicting evidence, the clinical significance of this alteration remains unclear.

NM_018082.6(POLR3B):c.883A>G (p.Arg295Gly)

Gene: POLR3B (RNA polymerase III subunit B; plus strand). Cytogenetic location: 12q23.3.
Variant type: single nucleotide variant.
Coding change: c.883A>G on transcript NM_018082.6 (MANE Select); coding-DNA position 883, A replaced by G.
Protein change: p.Arg295Gly; replaces arginine 295 with glycine.
Molecular consequence: missense variant.
Genome position (GRCh38, 1-based): chr12:106,405,893, A>G. VCF-style: chr12-106405893-A-G. GRCh37 (hg19) VCF-style: chr12-106799671-A-G.
Other names: c.709A>G, p.Arg237Gly (NM_001160708.2); short protein forms R237G, R295G.
Identifiers: ClinVar variation 4831791 (VCV004831791.1).